The following is an entry in ClinVar:

ClinVar aggregate classification (germline): Likely benign (1 of 4 stars; one submission).

Conditions:
APPL1-related disorder. Also called: APPL1-related condition.

Submission:

PreventionGenetics, part of Exact Sciences
Classification: Likely benign for APPL1-related condition. Last evaluated: 2026-01-29. Review status: criteria provided, single submitter. Criteria: ACMG Guidelines, 2015. Collection method: clinical testing. Allele origin: germline.
Comment: This variant is classified as likely benign based on ACMG/AMP sequence variant interpretation guidelines (Richards et al. 2015 PMID: 25741868, with internal and published modifications).

NM_012096.3(APPL1):c.-18_-2dup

Genes: APPL1 (adaptor protein, phosphotyrosine interacting with PH domain and leucine zipper 1; plus strand), LOC129936926 (ATAC-STARR-seq lymphoblastoid silent region 14480; plus strand). Cytogenetic location: 3p14.3.
Variant type: Duplication.
Coding change: c.-18_-2dup on transcript NM_012096.3 (MANE Select); 18 bases upstream of the start codon through 2 bases upstream of the start codon, 17 bases duplicated (CGCCCTCCCTCCGCCAC).
Molecular consequence: 5 prime UTR variant.
Genome position (GRCh38, 1-based): chr3:57,227,866-57,227,882, CGCCCTCCCTCCGCCAC duplicated; duplicating any 17 consecutive bases within chr3:57,227,861-57,227,882 gives the same sequence; the c. name uses the placement nearest the transcript's 3' end. VCF-style (leftmost placement, unchanged base first): chr3-57227860-T-TGCCACCGCCCTCCCTCC. GRCh37 (hg19) VCF-style: chr3-57261888-T-TGCCACCGCCCTCCCTCC.
Identifiers: ClinVar variation 4983475 (VCV004983475.1).